The following is an entry in ClinVar:

ClinVar aggregate classification (germline): Uncertain significance (1 of 4 stars; one submission).

Conditions:
Inborn genetic diseases. Identifiers: MedGen C0950123, MeSH D030342.

gnomAD v4.1: 2 of 1,613,090 alleles (0.00012%); highest among the groups gnomAD compares: Non-Finnish European, 0.00017%; no homozygotes.

Submission:

Ambry Genetics
Classification: Uncertain significance for Inborn genetic diseases. Last evaluated: 2026-02-25. Review status: criteria provided, single submitter. Criteria: Ambry Variant Classification Scheme 2023. Collection method: clinical testing. Allele origin: germline.
Comment: The c.880T>C (p.Y294H) alteration is located in exon 10 (coding exon 8) of the MACF1 gene. This alteration results from a T to C substitution at nucleotide position 880, causing the tyrosine (Y) at amino acid position 294 to be replaced by a histidine (H). Based on data from gnomAD, the C allele has an overall frequency of <0.001% (1/251404) total alleles studied. The highest observed frequency was 0.001% (1/113690) of European (non-Finnish) alleles. Based on insufficient or conflicting evidence, the clinical significance of this alteration remains unclear.

NM_001394062.1(MACF1):c.865T>C (p.Tyr289His)

Gene: MACF1 (microtubule actin crosslinking factor 1; plus strand). Cytogenetic location: 1p34.3.
Variant type: single nucleotide variant.
Coding change: c.865T>C on transcript NM_001394062.1 (MANE Select); coding-DNA position 865, T replaced by C.
Protein change: p.Tyr289His; replaces tyrosine 289 with histidine.
Molecular consequence: missense variant.
Genome position (GRCh38, 1-based): chr1:39,283,465, T>C. VCF-style: chr1-39283465-T-C. GRCh37 (hg19) VCF-style: chr1-39749137-T-C.
Other names: c.880T>C, p.Tyr294His (NM_012090.5); short protein forms Y289H, Y294H.
Identifiers: ClinVar variation 4840508 (VCV004840508.1).